The following is an entry in ClinVar:

ClinVar aggregate classification (germline): Benign. Review status: criteria provided, multiple submitters, no conflicts (2 of 4 stars). 10 submissions from 10 submitters: Benign (8). 2 of the submissions do not count toward it. Last evaluated 2026-02-01.

Conditions:
Periventricular heterotopia with microcephaly, autosomal recessive (ARPHM). Also called: Periventricular heterotopia with microcephaly; PERIVENTRICULAR NODULAR HETEROTOPIA 2. Identifiers: Orphanet 2149, MedGen C1842563, MONDO:0011966, OMIM 608097.

Allele frequency attached by ClinVar (database versions not stated): ESP Exome Variant Server 0.11302; gnomAD 0.13125 and 0.13916; TOPMed 0.14563; gnomAD exomes 0.15228; 1000 Genomes Project 30x 0.20518; 1000 Genomes Project 0.20847.
gnomAD v4.1: 243,759 of 1,613,834 alleles (15%); highest among the groups gnomAD compares: East Asian, 34%; 21,936 homozygotes.

Submissions (10):

Labcorp Genetics (formerly Invitae), Labcorp
Classification: Benign. Last evaluated: 2026-02-01. Review status: criteria provided, single submitter. Criteria: Invitae Variant Classification Sherloc (09022015). Collection method: clinical testing. Allele origin: germline.

Blueprint Genetics
Classification: Benign. Last evaluated: 2024-11-28. Review status: criteria provided, single submitter. Criteria: ACMG Guidelines, 2015. Collection method: clinical testing. Allele origin: germline.

Mayo Clinic Laboratories, Mayo Clinic
Classification: Benign. Last evaluated: 2018-04-10. Review status: criteria provided, single submitter. Criteria: ACMG Guidelines, 2015. Collection method: clinical testing. Allele origin: germline. Observed: 167 variant alleles.

Illumina Laboratory Services, Illumina
Classification: Benign for Periventricular heterotopia with microcephaly, autosomal recessive. Last evaluated: 2018-01-12. Review status: criteria provided, single submitter. Criteria: ICSL Variant Classification Criteria 13 December 2019. Collection method: clinical testing. Allele origin: germline.
Comment: This variant was observed in the ICSL laboratory as part of a predisposition screen in an ostensibly healthy population. It had not been previously curated by ICSL or reported in the Human Gene Mutation Database (HGMD: prior to June 1st, 2018), and was therefore a candidate for classification through an automated scoring system. Utilizing variant allele frequency, disease prevalence and penetrance estimates, and inheritance mode, an automated score was calculated to assess if this variant is too frequent to cause the disease. Based on the score and internal cut-off values, a variant classified as benign is not then subjected to further curation. The score for this variant resulted in a classification of benign for this disease.

Clinical Genetics DNA and cytogenetics Diagnostics Lab, Erasmus MC, Erasmus Medical Center
Classification: Benign for Periventricular heterotopia with microcephaly, autosomal recessive. Last evaluated: 2015-09-21. Review status: criteria provided, single submitter. Criteria: ACGS Guidelines, 2013. Collection method: clinical testing. Allele origin: germline. Affected: yes. Study: VKGL Data-share Consensus.

GeneDx
Classification: Benign. Last evaluated: 2015-03-03. Review status: criteria provided, single submitter. Criteria: GeneDx Variant Classification Process June 2021. Collection method: clinical testing. Allele origin: germline. Affected: yes.

Breakthrough Genomics
Classification: Benign. Review status: criteria provided, single submitter. Criteria: ACMG Guidelines, 2015. Collection method: not provided. Allele origin: germline. Inheritance: Autosomal recessive inheritance. Affected: yes.

PreventionGenetics, part of Exact Sciences
Classification: Benign. Review status: criteria provided, single submitter. Criteria: ACMG Guidelines, 2015. Collection method: clinical testing. Allele origin: germline.

Diagnostic Laboratory, Department of Genetics, University Medical Center Groningen
Classification: Benign for Periventricular heterotopia with microcephaly, autosomal recessive. Review status: no assertion criteria provided. Collection method: clinical testing. Allele origin: germline. Affected: yes. Study: VKGL Data-share Consensus. Not counted in ClinVar's aggregate classification.

Genetic Services Laboratory, University of Chicago
Classification: Likely benign for AllHighlyPenetrant. Review status: no assertion criteria provided. Collection method: clinical testing. Allele origin: germline. Inheritance: Autosomal recessive inheritance. Not counted in ClinVar's aggregate classification.
Comment: Likely benign based on allele frequency in 1000 Genomes Project or ESP global frequency and its presence in a patient with a rare or unrelated disease phenotype. NOT Sanger confirmed.

NM_006420.3(ARFGEF2):c.4131C>T (p.Ile1377=)

Gene: ARFGEF2 (ARF guanine nucleotide exchange factor 2; plus strand). Cytogenetic location: 20q13.13.
Variant type: single nucleotide variant.
Coding change: c.4131C>T on transcript NM_006420.3 (MANE Select); coding-DNA position 4131, C replaced by T.
Protein change: p.Ile1377=; no amino-acid change (isoleucine 1377 retained).
Molecular consequence: synonymous variant.
Genome position (GRCh38, 1-based): chr20:49,013,912, C>T. VCF-style: chr20-49013912-C-T. GRCh37 (hg19) VCF-style: chr20-47630449-C-T.
Other names: p.Ile1377=.
Identifiers: ClinVar variation 128438 (VCV000128438.26), dbSNP rs2281582, ClinGen allele CA151895.